The following is an entry in ClinVar:

ClinVar aggregate classification (germline): Uncertain significance (1 of 4 stars; one submission).

Conditions:
Rhabdoid tumor predisposition syndrome 2 (RTPS2). Identifiers: Orphanet 231108, Orphanet 69077, MedGen C2750074, MONDO:0013224, OMIM 613325.

Submission:

Labcorp Genetics (formerly Invitae), Labcorp
Classification: Uncertain significance for Rhabdoid tumor predisposition syndrome 2. Last evaluated: 2024-08-31. Review status: criteria provided, single submitter. Criteria: Invitae Variant Classification Sherloc (09022015). Collection method: clinical testing. Allele origin: germline.
Comment: This sequence change replaces lysine, which is basic and polar, with asparagine, which is neutral and polar, at codon 584 of the SMARCA4 protein (p.Lys584Asn). This variant is not present in population databases (gnomAD no frequency). This variant has not been reported in the literature in individuals affected with SMARCA4-related conditions. Invitae Evidence Modeling of protein sequence and biophysical properties (such as structural, functional, and spatial information, amino acid conservation, physicochemical variation, residue mobility, and thermodynamic stability) indicates that this missense variant is not expected to disrupt SMARCA4 protein function with a negative predictive value of 95%. In summary, the available evidence is currently insufficient to determine the role of this variant in disease. Therefore, it has been classified as a Variant of Uncertain Significance.

NM_003072.5(SMARCA4):c.1752G>C (p.Lys584Asn)

Gene: SMARCA4 (SWI/SNF related BAF chromatin remodeling complex subunit ATPase 4; plus strand). Cytogenetic location: 19p13.2.
Variant type: single nucleotide variant.
Coding change: c.1752G>C on transcript NM_003072.5 (MANE Select); coding-DNA position 1752, G replaced by C.
Protein change: p.Lys584Asn; replaces lysine 584 with asparagine.
Molecular consequence: missense variant. On other transcripts: non-coding transcript variant (1).
Genome position (GRCh38, 1-based): chr19:10,996,371, G>C. VCF-style: chr19-10996371-G-C. GRCh37 (hg19) VCF-style: chr19-11107047-G-C.
Other names: c.1752G>C, p.Lys584Asn (NM_001387283.1, NM_001411150.1, NM_001128844.3 and 6 more transcripts); short protein forms K584N.
Identifiers: ClinVar variation 3636853 (VCV003636853.2).